The following is an entry in ClinVar:

NM_015662.3(IFT172):c.15C>T (p.His5=)

Gene: IFT172 (intraflagellar transport 172; minus strand). Cytogenetic location: 2p23.3.
Variant type: single nucleotide variant.
Coding change: c.15C>T on transcript NM_015662.3 (MANE Select); coding-DNA position 15, C replaced by T.
Protein change: p.His5=; no amino-acid change (histidine 5 retained).
Molecular consequence: synonymous variant.
Genome position (GRCh38, 1-based): chr2:27,489,639, G>A on the plus strand (C>T on the coding strand, the complement: IFT172 is on the minus strand). VCF-style: chr2-27489639-G-A. GRCh37 (hg19) VCF-style: chr2-27712506-G-A.
Other names: c.15C>T (NM_015662.2).
Identifiers: ClinVar variation 1093767 (VCV001093767.10), dbSNP rs377627847, ClinGen allele CA1581143.

ClinVar aggregate classification (germline): Likely benign. Review status: criteria provided, multiple submitters, no conflicts (2 of 4 stars). 2 submissions from 2 submitters: Likely benign (2). Last evaluated 2026-04-05.

Conditions:
Retinitis pigmentosa 71 (RP71). Identifiers: Orphanet 791, MedGen C4225342, MONDO:0014618, OMIM 616394.
Short-rib thoracic dysplasia 10 with or without polydactyly (SRTD10). Identifiers: Orphanet 474, MedGen C3810175, MONDO:0014284, OMIM 615630.
IFT172-related disorder. Also called: IFT172-related disorders; IFT172-related condition.

Allele frequency attached by ClinVar (database versions not stated): ExAC 0.00001; TOPMed 0.00001; gnomAD exomes 0.00002 and 0.00004; ESP Exome Variant Server 0.00008.

Submissions (2):

PreventionGenetics, part of Exact Sciences
Classification: Likely benign for IFT172-related condition. Last evaluated: 2026-04-05. Review status: criteria provided, single submitter. Criteria: ACMG Guidelines, 2015. Collection method: clinical testing. Allele origin: germline.
Comment: This variant is classified as likely benign based on ACMG/AMP sequence variant interpretation guidelines (Richards et al. 2015 PMID: 25741868, with internal and published modifications).

Labcorp Genetics (formerly Invitae), Labcorp
Classification: Likely benign for Retinitis pigmentosa 71; Short-rib thoracic dysplasia 10 with or without polydactyly. Last evaluated: 2024-05-06. Review status: criteria provided, single submitter. Criteria: Invitae Variant Classification Sherloc (09022015). Collection method: clinical testing. Allele origin: germline.